The following is an entry in ClinVar:

NM_001378454.1(ALMS1):c.298G>T (p.Glu100Ter)

Gene: ALMS1 (ALMS1 centrosome and basal body associated protein; plus strand). Cytogenetic location: 2p13.1.
Variant type: single nucleotide variant.
Coding change: c.298G>T on transcript NM_001378454.1 (MANE Select); coding-DNA position 298, G replaced by T.
Protein change: p.Glu100Ter; replaces glutamic acid 100 with a stop codon.
Molecular consequence: nonsense.
Genome position (GRCh38, 1-based): chr2:73,386,166, G>T. VCF-style: chr2-73386166-G-T. GRCh37 (hg19) VCF-style: chr2-73613294-G-T.
Other names: c.301G>T, p.Glu101Ter (NM_015120.4); short protein forms E101*, E100*.
Identifiers: ClinVar variation 661135 (VCV000661135.6), dbSNP rs1254495717, ClinGen allele CA347251021.
Genomic context (GRCh38, chr2:73,386,166, plus strand): 5'-CTGCAGGCGCACCCCGGCAGGATTTTGCCTCCGCTGTCGCCCCCGCAGCACCGCTACTCG[G>T]AGGGCGAGCGGACCTCCCTGGAGAAGGTGAGGCGGGCCGGGGAGGGGTGTGGAGCCGCGG-3'

ClinVar aggregate classification (germline): Pathogenic (1 of 4 stars; one submission).

Conditions:
Alstrom syndrome (ALMS). Identifiers: Orphanet 64, MedGen C0268425, MONDO:0008763, OMIM 203800.

Submission:

Labcorp Genetics (formerly Invitae), Labcorp
Classification: Pathogenic for Alstrom syndrome. Last evaluated: 2018-07-18. Review status: criteria provided, single submitter. Criteria: Invitae Variant Classification Sherloc (09022015). Collection method: clinical testing. Allele origin: germline.
Comment: For these reasons, this variant has been classified as Pathogenic. Loss-of-function variants in ALMS1 are known to be pathogenic (PMID: 17594715). This variant has not been reported in the literature in individuals with ALMS1-related disease. While this variant is not present in population databases, the frequency information is unreliable, as metrics indicate poor data quality at this position in the ExAC database. This sequence change creates a premature translational stop signal (p.Glu101*) in the ALMS1 gene. It is expected to result in an absent or disrupted protein product.

Literature cited by the submitters: PubMed 17594715.